The following is an entry in ClinVar:

ClinVar aggregate classification (germline): Uncertain significance. Review status: criteria provided, multiple submitters, no conflicts (2 of 4 stars). 2 submissions from 2 submitters: Uncertain significance (2). Last evaluated 2025-10-18.

Submissions (2):

Ambry Genetics
Classification: Uncertain significance. Last evaluated: 2025-10-18. Review status: criteria provided, single submitter. Criteria: Ambry Variant Classification Scheme 2023. Collection method: clinical testing. Allele origin: germline.

Labcorp Genetics (formerly Invitae), Labcorp
Classification: Uncertain significance. Last evaluated: 2023-04-27. Review status: criteria provided, single submitter. Criteria: Invitae Variant Classification Sherloc (09022015). Collection method: clinical testing. Allele origin: germline.
Comment: In summary, the available evidence is currently insufficient to determine the role of this variant in disease. Therefore, it has been classified as a Variant of Uncertain Significance. Advanced modeling of protein sequence and biophysical properties (such as structural, functional, and spatial information, amino acid conservation, physicochemical variation, residue mobility, and thermodynamic stability) performed at Invitae indicates that this missense variant is not expected to disrupt PITPNM3 protein function. This variant has not been reported in the literature in individuals affected with PITPNM3-related conditions. This variant is not present in population databases (gnomAD no frequency). This sequence change replaces proline, which is neutral and non-polar, with leucine, which is neutral and non-polar, at codon 616 of the PITPNM3 protein (p.Pro616Leu).

NM_031220.4(PITPNM3):c.1847C>T (p.Pro616Leu)

Gene: PITPNM3 (PITPNM family member 3; minus strand). Cytogenetic location: 17p13.2.
Variant type: single nucleotide variant.
Coding change: c.1847C>T on transcript NM_031220.4 (MANE Select); coding-DNA position 1847, C replaced by T.
Protein change: p.Pro616Leu; replaces proline 616 with leucine.
Molecular consequence: missense variant.
Genome position (GRCh38, 1-based): chr17:6,468,268, G>A on the plus strand (C>T on the coding strand, the complement: PITPNM3 is on the minus strand). VCF-style: chr17-6468268-G-A. GRCh37 (hg19) VCF-style: chr17-6371588-G-A.
Other names: c.1739C>T, p.Pro580Leu (NM_001165966.2); c.1847C>T (NM_031220.3); short protein forms P580L, P616L.
Identifiers: ClinVar variation 2827509 (VCV002827509.4), dbSNP rs1904886367, ClinGen allele CA397404297.